The following is an entry in ClinVar:

NM_001378454.1(ALMS1):c.10131dup (p.Gln3378fs)

Gene: ALMS1 (ALMS1 centrosome and basal body associated protein; plus strand). Cytogenetic location: 2p13.1.
Variant type: Duplication.
Coding change: c.10131dup on transcript NM_001378454.1 (MANE Select); coding-DNA position 10131, one base duplicated (A; older notation c.10131dupA).
Protein change: p.Gln3378fs; shifts the reading frame from glutamine 3378.
Molecular consequence: frameshift variant.
Genome position (GRCh38, 1-based): chr2:73,557,272, A duplicated; the last of 6 consecutive A bases (chr2:73,557,267-73,557,272); duplicating any one gives the same sequence. VCF-style (leftmost placement, unchanged base first): chr2-73557266-C-CA. GRCh37 (hg19) VCF-style: chr2-73784393-C-CA.
Other names: c.10134dup, p.Gln3379fs (NM_015120.4); c.10134dupA (NM_015120.4); short protein forms Q3379fs, Q3378fs.
Identifiers: ClinVar variation 555428 (VCV000555428.10), dbSNP rs1553416867, ClinGen allele CA658821456.
Genomic context (GRCh38, chr2:73,557,266, plus strand): 5'-TGTCGTTATTCCAGATGCCTCAGTTCAAGTGCTAATCACTGGGGATGAGAACCTCTCAGA[C>CA]AAAAAACAGCAAGAGATTCACAGTACAAGGGCAGTGACTGAGGCTGCCCAGGCTAAAGAA-3'

ClinVar aggregate classification (germline): Pathogenic. Review status: criteria provided, multiple submitters, no conflicts (2 of 4 stars). 3 submissions from 3 submitters: Pathogenic (2). 1 of the submissions does not count toward it. Last evaluated 2024-12-16.

Conditions:
Alstrom syndrome (ALMS). Identifiers: Orphanet 64, MedGen C0268425, MONDO:0008763, OMIM 203800.
Cardiovascular phenotype. Identifiers: MedGen CN230736.

Submissions (3):

Labcorp Genetics (formerly Invitae), Labcorp
Classification: Pathogenic for Alstrom syndrome. Last evaluated: 2024-12-16. Review status: criteria provided, single submitter. Criteria: Invitae Variant Classification Sherloc (09022015). Collection method: clinical testing. Allele origin: germline.
Comment: This sequence change creates a premature translational stop signal (p.Gln3379Thrfs*12) in the ALMS1 gene. It is expected to result in an absent or disrupted protein product. Loss-of-function variants in ALMS1 are known to be pathogenic (PMID: 17594715). This variant is not present in population databases (gnomAD no frequency). This variant has not been reported in the literature in individuals affected with ALMS1-related conditions. ClinVar contains an entry for this variant (Variation ID: 555428). For these reasons, this variant has been classified as Pathogenic.

Ambry Genetics
Classification: Pathogenic for Cardiovascular phenotype. Last evaluated: 2024-02-08. Review status: criteria provided, single submitter. Criteria: Ambry Variant Classification Scheme 2023. Collection method: clinical testing. Allele origin: germline.
Comment: The c.10134dupA pathogenic mutation, located in coding exon 14 of the ALMS1 gene, results from a duplication of A at nucleotide position 10134, causing a translational frameshift with a predicted alternate stop codon (p.Q3379Tfs*12). This variant is considered to be rare based on population cohorts in the Genome Aggregation Database (gnomAD). This alteration is expected to result in loss of function by premature protein truncation or nonsense-mediated mRNA decay. As such, this alteration is interpreted as a disease-causing mutation.

Counsyl
Classification: Likely pathogenic for Alstrom syndrome. Last evaluated: 2017-12-05. Review status: no assertion criteria provided. Collection method: clinical testing. Allele origin: unknown. Not counted in ClinVar's aggregate classification.

Literature cited by the submitters: PubMed 17594715 (cited by Labcorp Genetics (formerly Invitae), Labcorp).